The following is an entry in ClinVar:

NM_001100.4(ACTA1):c.121C>G (p.Arg41Gly)

Gene: ACTA1 (actin alpha 1, skeletal muscle; minus strand). Cytogenetic location: 1q42.13.
Variant type: single nucleotide variant.
Coding change: c.121C>G on transcript NM_001100.4 (MANE Select); coding-DNA position 121, C replaced by G.
Protein change: p.Arg41Gly; replaces arginine 41 with glycine.
Molecular consequence: missense variant.
Genome position (GRCh38, 1-based): chr1:229,432,995, G>C on the plus strand (C>G on the coding strand, the complement: ACTA1 is on the minus strand). VCF-style: chr1-229432995-G-C. GRCh37 (hg19) VCF-style: chr1-229568742-G-C.
Other names: short protein forms R41G.
Identifiers: ClinVar variation 654180 (VCV000654180.9), dbSNP rs1429699993, ClinGen allele CA345151249.

ClinVar aggregate classification (germline): Uncertain significance (1 of 4 stars; one submission).

Conditions:
Actin accumulation myopathy (CMYO2A). Also called: CONGENITAL MYOPATHY 2A, TYPICAL, AUTOSOMAL DOMINANT; Myopathy, actin, congenital, with cores; Nemaline myopathy 3, with intranuclear rods; Nemaline myopathy type 3; Myopathy, actin, congenital, with excess of thin myofilaments. Identifiers: Orphanet 98904, MedGen C3711389, MONDO:0008070, OMIM 161800.

Submission:

Labcorp Genetics (formerly Invitae), Labcorp
Classification: Uncertain significance for Actin accumulation myopathy. Last evaluated: 2018-11-19. Review status: criteria provided, single submitter. Criteria: Invitae Variant Classification Sherloc (09022015). Collection method: clinical testing. Allele origin: germline.
Comment: This sequence change replaces arginine with glycine at codon 41 of the ACTA1 protein (p.Arg41Gly). The arginine residue is highly conserved and there is a moderate physicochemical difference between arginine and glycine. This variant is not present in population databases (ExAC no frequency). In summary, the available evidence is currently insufficient to determine the role of this variant in disease. Therefore, it has been classified as a Variant of Uncertain Significance. Algorithms developed to predict the effect of missense changes on protein structure and function are either unavailable or do not agree on the potential impact of this missense change (SIFT: "Deleterious"; PolyPhen-2: "Probably Damaging"; Align-GVGD: "Class C0"). This variant has not been reported in the literature in individuals with ACTA1-related disease.